The following is an entry in ClinVar:

NM_207361.6(FREM2):c.5301T>A (p.Asn1767Lys)

Gene: FREM2 (FRAS1 related extracellular matrix 2; plus strand). Cytogenetic location: 13q13.3.
Variant type: single nucleotide variant.
Coding change: c.5301T>A on transcript NM_207361.6 (MANE Select); coding-DNA position 5301, T replaced by A.
Protein change: p.Asn1767Lys; replaces asparagine 1767 with lysine.
Molecular consequence: missense variant.
Genome position (GRCh38, 1-based): chr13:38,764,341, T>A. VCF-style: chr13-38764341-T-A. GRCh37 (hg19) VCF-style: chr13-39338478-T-A.
Other names: short protein forms N1767K.
Identifiers: ClinVar variation 4982918 (VCV004982918.1).

ClinVar aggregate classification (germline): Uncertain significance (1 of 4 stars; one submission).

Conditions:
FREM2-related disorder. Also called: FREM2-related condition.

gnomAD v4.1: 6 of 1,611,566 alleles (0.00037%); highest among the groups gnomAD compares: Middle Eastern, 0.066%; no homozygotes.

Submission:

PreventionGenetics, part of Exact Sciences
Classification: Uncertain significance for FREM2-related condition. Last evaluated: 2025-06-10. Review status: criteria provided, single submitter. Criteria: ACMG Guidelines, 2015. Collection method: clinical testing. Allele origin: germline.
Comment: The FREM2 c.5301T>A variant is predicted to result in the amino acid substitution p.Asn1767Lys. To our knowledge, this variant has not been reported in the literature or in a large population database (gnomAD), indicating this variant is rare. At this time, the clinical significance of this variant is uncertain due to the absence of conclusive functional and genetic evidence.